The following is an entry in ClinVar:

NM_025114.4(CEP290):c.1711G>A (p.Gly571Arg)

Gene: CEP290 (centrosomal protein 290; minus strand). Cytogenetic location: 12q21.32.
Variant type: single nucleotide variant.
Coding change: c.1711G>A on transcript NM_025114.4 (MANE Select); coding-DNA position 1711, G replaced by A.
Protein change: p.Gly571Arg; replaces glycine 571 with arginine.
Molecular consequence: missense variant.
Genome position (GRCh38, 1-based): chr12:88,118,483, C>T on the plus strand (G>A on the coding strand, the complement: CEP290 is on the minus strand). VCF-style: chr12-88118483-C-T. GRCh37 (hg19) VCF-style: chr12-88512260-C-T.
Other names: c.1711G>A (NM_025114.3); short protein forms G571R.
Identifiers: ClinVar variation 3391225 (VCV003391225.3).
Genomic context (GRCh38, chr12:88,118,483, plus strand): 5'-ATATCCAGACAACTCACTTATCAATAATTCTTTTTAAAGGTTTAGAATAACTGAGTATAC[C>T]TGAAGTTGCACTTCTTTTTCCTCTTTCTTGAGCCATTTGACGAATTTTTTTTTTCAGATC-3'
Protein context (NP_079390.3, residues 561-581): QERGKRSATS[Gly571Arg]LTTEDLNLTE

ClinVar aggregate classification (germline): Conflicting classifications of pathogenicity. Review status: criteria provided, conflicting classifications (1 of 4 stars). 2 submissions from 2 submitters: Likely pathogenic (1); Uncertain significance (1). Last evaluated 2025-02-10.

Conditions:
Meckel syndrome, type 4 (MKS4). Also called: MECKEL-GRUBER SYNDROME, TYPE 4. Identifiers: Orphanet 564, MedGen C1970161, MONDO:0012626, OMIM 611134.
Leber congenital amaurosis (LCA). Also called: Leber's amaurosis. Identifiers: Orphanet 65, MedGen C0339527, MeSH D057130, MONDO:0018998.

gnomAD v4.1: 2 of 1,553,054 alleles (0.00013%); highest among the groups gnomAD compares: South Asian, 0.0012%; no homozygotes.

Submissions (2):

Natera, Inc.
Classification: Likely pathogenic for Leber congenital amaurosis. Last evaluated: 2025-02-10. Review status: criteria provided, single submitter. Criteria: Natera Variant Classification Schema (03/2026). Collection method: clinical testing. Allele origin: germline.
Comment: The c.1711G>A variant in CEP290 is a missense variant predicted to cause substitution of glycine to arginine at amino acid 571. This variant is rare in the general population with a frequency below the threshold expected for the associated phenotype(s). This variant has been observed in one or more individuals affected with the associated recessive disease, as either homozygous or compound heterozygous with a second variant (PMID: 28559085, 31069529). Additionally, this variant has been observed to segregate in affected family members (PMID: 28559085). Functional studies show that this variant may disrupt protein function (PMID: 39354715). Computational prediction algorithms indicate this variant is likely to affect gene or protein function. Given the available evidence, this variant is classified as Likely Pathogenic.

Neuberg Centre For Genomic Medicine, NCGM
Classification: Uncertain significance for Meckel syndrome, type 4. Review status: criteria provided, single submitter. Criteria: ACMG Guidelines, 2015. Collection method: clinical testing. Allele origin: germline. Inheritance: Autosomal recessive inheritance. Affected: yes.
Comment: The missense variant c.1711G>A p.Gly571Arg in CEP290 gene has not been reported previously as a pathogenic variant nor as a benign variant, to our knowledge. The observed variant is absent in gnomAD exomes database. This variant has not been submitted to the ClinVar database. Multiple lines of computational evidence Polyphen - Benign, SIFT - damaging and MutationTaster - disease causing predict no damaging effect on protein structure and function for this variant. The amino acid change p.Gly571Arg in CEP290 is predicted as conserved by GERP++ and PhyloP across 100 vertebrates. The amino acid Gly at position 571 is changed to a Arg changing protein sequence and it might alter its composition and physico-chemical properties. For these reasons, this variant has been classified as Uncertain Significance VUS.

Literature cited by the submitters: PubMed 28559085 (cited by Natera, Inc.); PubMed 31069529 (cited by Natera, Inc.); PubMed 39354715 (cited by Natera, Inc.).